The following is an entry in ClinVar:

NM_001849.4(COL6A2):c.2038_2039delinsA (p.Arg680fs)

Gene: COL6A2 (collagen type VI alpha 2 chain; plus strand). Cytogenetic location: 21q22.3.
Variant type: Indel.
Coding change: c.2038_2039delinsA on transcript NM_001849.4 (MANE Select); coding-DNA positions 2038 to 2039, CG replaced by A.
Protein change: p.Arg680fs; shifts the reading frame from arginine 680.
Molecular consequence: frameshift variant.
Genome position (GRCh38, 1-based): chr21:46,125,853-46,125,854, CG replaced by A. VCF-style: chr21-46125853-CG-A. GRCh37 (hg19) VCF-style: chr21-47545767-CG-A.
Other names: c.2038_2039delCGinsA (NM_001849.3); c.2038_2039delinsA, p.Arg680fs (NM_058174.3, NM_058175.3); short protein forms R680fs.
Identifiers: ClinVar variation 422287 (VCV000422287.2), dbSNP rs1064795685, ClinGen allele CA16621031.
Genomic context (GRCh38, chr21:46,125,853, plus strand): 5'-GTGGGCGTGGTGCAGTACAGCCACGAGGGCACCTTTGAGGCCATCCAGCTGGACGACGAA[CG>A]TATCGACTCCCTGTCGAGCTTCAAGGAGGCTGTCAAGAACCTCGAGTGGATTGCGGGCGG-3'

ClinVar aggregate classification (germline): Likely pathogenic (1 of 4 stars; one submission).

Submission:

GeneDx
Classification: Likely pathogenic. Last evaluated: 2016-10-07. Review status: criteria provided, single submitter. Criteria: GeneDx Variant Classification (06012015). Collection method: clinical testing. Allele origin: germline. Affected: yes.
Comment: A variant that is likely pathogenic has been identified in the COL6A2 gene. The c.2038_2039delCGinsA variant was not observed in approximately 6,500 individuals of European and African American ancestry in the NHLBI Exome Sequencing Project, indicating it is not a common benign variant in these populations. The c.2038_2039delCGinsA variant causes a frameshift starting with codon Arginine 680, changes this amino acid to a Isoleucine residue and creates a premature Stop codon at position 75 of the new reading frame, denoted p.Arg680IlefsX75. This variant is predicted to cause loss of normal protein function either through protein truncation or nonsense-mediated mRNA decay. Although the c.2038_2029delCGinsA variant has not been previously reported to our knowledge, other downstream loss of function variants have been reported in the Human Gene Mutation Database in association with COL6A-related disorders (Stenson et al., 2014). Therefore, this variant is likely pathogenic; however, the possibility that it is benign cannot be excluded.